The following is an entry in ClinVar:

ClinVar aggregate classification (germline): Uncertain significance (1 of 4 stars; one submission).

gnomAD v4.1: 181 of 1,613,942 alleles (0.011%); highest among the groups gnomAD compares: East Asian, 0.35%; 2 homozygotes.

Submission:

Labcorp Genetics (formerly Invitae), Labcorp
Classification: Uncertain significance. Last evaluated: 2025-11-19. Review status: criteria provided, single submitter. Criteria: Invitae Variant Classification Sherloc (09022015). Collection method: clinical testing. Allele origin: germline.
Comment: This sequence change replaces aspartic acid, which is acidic and polar, with asparagine, which is neutral and polar, at codon 445 of the MTMR14 protein (p.Asp445Asn). The frequency data for this variant in the population databases is considered unreliable, as metrics indicate poor data quality at this position in the gnomAD database. This variant has not been reported in the literature in individuals affected with MTMR14-related conditions. Invitae Evidence Modeling of protein sequence and biophysical properties (such as structural, functional, and spatial information, amino acid conservation, physicochemical variation, residue mobility, and thermodynamic stability) indicates that this missense variant is not expected to disrupt MTMR14 protein function with a negative predictive value of 80%. In summary, the available evidence is currently insufficient to determine the role of this variant in disease. Therefore, it has been classified as a Variant of Uncertain Significance.

NM_001077525.3(MTMR14):c.1333G>A (p.Asp445Asn)

Gene: MTMR14 (myotubularin related protein 14; plus strand). Cytogenetic location: 3p25.3.
Variant type: single nucleotide variant.
Coding change: c.1333G>A on transcript NM_001077525.3 (MANE Select); coding-DNA position 1333, G replaced by A.
Protein change: p.Asp445Asn; replaces aspartic acid 445 with asparagine.
Molecular consequence: missense variant. On other transcripts: non-coding transcript variant (9).
Genome position (GRCh38, 1-based): chr3:9,688,982, G>A. VCF-style: chr3-9688982-G-A. GRCh37 (hg19) VCF-style: chr3-9730666-G-A.
Other names: c.1333G>A, p.Asp445Asn (NM_001077526.3, NM_022485.5); c.1402G>A, p.Asp468Asn (NM_001400518.1, NM_001400521.1); c.1330G>A, p.Asp444Asn (NM_001400519.1, NM_001400522.1); c.1258G>A, p.Asp420Asn (NM_001400520.1, NM_001400523.1, NM_001400528.1); c.1087G>A, p.Asp363Asn (NM_001400524.1, NM_001400527.1, NM_001400530.1); c.1051G>A, p.Asp351Asn (NM_001400525.1, NM_001400529.1, NM_001400532.1); c.1327G>A, p.Asp443Asn (NM_001400526.1); c.1084G>A, p.Asp362Asn (NM_001400531.1); and 5 more; short protein forms D158N, D206N, D231N, D326N, D338N, D351N, D362N, D363N.
Identifiers: ClinVar variation 4805737 (VCV004805737.1).